The following is an entry in ClinVar:

NM_020975.6(RET):c.268G>A (p.Glu90Lys)

Gene: RET (ret proto-oncogene; plus strand). Cytogenetic location: 10q11.21.
Variant type: single nucleotide variant.
Coding change: c.268G>A on transcript NM_020975.6 (MANE Select); coding-DNA position 268, G replaced by A.
Protein change: p.Glu90Lys; replaces glutamic acid 90 with lysine.
Molecular consequence: missense variant. On other transcripts: intron variant (4).
Genome position (GRCh38, 1-based): chr10:43,100,653, G>A. VCF-style: chr10-43100653-G-A. GRCh37 (hg19) VCF-style: chr10-43596101-G-A.
Other names: c.268G>A, p.Glu90Lys (NM_001406743.1, NM_001406744.1, NM_001406759.1 and 32 more transcripts); c.74-8378G>A (NM_001406784.1); c.74-11446G>A (NM_001406794.1, NM_001406792.1, NM_001406793.1); short protein forms E90K.
Identifiers: ClinVar variation 4281737 (VCV004281737.1).

ClinVar aggregate classification (germline): Uncertain significance (1 of 4 stars; one submission).

Submission:

GeneDx
Classification: Uncertain significance. Last evaluated: 2025-04-17. Review status: criteria provided, single submitter. Criteria: GeneDx Variant Classification Process June 2021. Collection method: clinical testing. Allele origin: germline. Affected: yes.
Comment: Not observed at significant frequency in large population cohorts (gnomAD); In silico analysis indicates that this missense variant does not alter protein structure/function; Has not been previously published as pathogenic or benign to our knowledge; This variant is associated with the following publications: (PMID: 14633923)